The following is an entry in ClinVar:

NM_002894.3(RBBP8):c.985G>A (p.Val329Ile)

Gene: RBBP8 (RB binding protein 8, endonuclease; plus strand). Cytogenetic location: 18q11.2.
Variant type: single nucleotide variant.
Coding change: c.985G>A on transcript NM_002894.3 (MANE Select); coding-DNA position 985, G replaced by A.
Protein change: p.Val329Ile; replaces valine 329 with isoleucine.
Molecular consequence: missense variant.
Genome position (GRCh38, 1-based): chr18:22,992,812, G>A. VCF-style: chr18-22992812-G-A. GRCh37 (hg19) VCF-style: chr18-20572775-G-A.
Other names: c.985G>A, p.Val329Ile (NM_203291.2, NM_203292.2); c.985G>A (NM_002894.2); short protein forms V329I.
Identifiers: ClinVar variation 1424292 (VCV001424292.9), dbSNP rs544256922, ClinGen allele CA8909998.

ClinVar aggregate classification (germline): Uncertain significance. Review status: criteria provided, multiple submitters, no conflicts (2 of 4 stars). 3 submissions from 3 submitters: Uncertain significance (3). Last evaluated 2023-03-07.

Conditions:
Inborn genetic diseases. Identifiers: MedGen C0950123, MeSH D030342.

Allele frequency attached by ClinVar (database versions not stated): ExAC 0.00002; gnomAD exomes 0.00005 and 0.00007; gnomAD 0.00009; 1000 Genomes Project 30x 0.00016; TOPMed 0.00016; 1000 Genomes Project 0.00020.
gnomAD v4.1: 117 of 1,608,048 alleles (0.0073%); highest among the groups gnomAD compares: Admixed American, 0.027%; no homozygotes.

Submissions (3):

Ambry Genetics
Classification: Uncertain significance for Inborn genetic diseases. Last evaluated: 2023-03-07. Review status: criteria provided, single submitter. Criteria: Ambry Variant Classification Scheme 2023. Collection method: clinical testing. Allele origin: germline.

Labcorp Genetics (formerly Invitae), Labcorp
Classification: Uncertain significance. Last evaluated: 2022-10-24. Review status: criteria provided, single submitter. Criteria: Invitae Variant Classification Sherloc (09022015). Collection method: clinical testing. Allele origin: germline.
Comment: This sequence change replaces valine, which is neutral and non-polar, with isoleucine, which is neutral and non-polar, at codon 329 of the RBBP8 protein (p.Val329Ile). This variant is present in population databases (rs544256922, gnomAD 0.01%). This variant has not been reported in the literature in individuals affected with RBBP8-related conditions. ClinVar contains an entry for this variant (Variation ID: 1424292). Algorithms developed to predict the effect of missense changes on protein structure and function (SIFT, PolyPhen-2, Align-GVGD) all suggest that this variant is likely to be disruptive. In summary, the available evidence is currently insufficient to determine the role of this variant in disease. Therefore, it has been classified as a Variant of Uncertain Significance.

Revvity Omics, Revvity
Classification: Uncertain significance. Last evaluated: 2021-10-04. Review status: criteria provided, single submitter. Criteria: ACMG Guidelines, 2015. Collection method: clinical testing. Allele origin: germline.